The following is an entry in ClinVar:

ClinVar aggregate classification (germline): Uncertain significance (1 of 4 stars; one submission).

gnomAD v4.1: 2 of 1,594,320 alleles (0.00013%); highest among the groups gnomAD compares: Non-Finnish European, 0.00017%; no homozygotes.

Submission:

GeneDx
Classification: Uncertain significance. Last evaluated: 2026-03-09. Review status: criteria provided, single submitter. Criteria: GeneDx Variant Classification Process June 2021. Collection method: clinical testing. Allele origin: germline.
Comment: Not observed at significant frequency in large population cohorts (gnomAD); In silico analysis suggests that this missense variant does not alter protein structure/function; Has not been previously published as pathogenic or benign to our knowledge

NM_006494.4(ERF):c.667G>A (p.Ala223Thr)

Gene: ERF (ETS2 repressor factor; minus strand). Cytogenetic location: 19q13.2.
Variant type: single nucleotide variant.
Coding change: c.667G>A on transcript NM_006494.4 (MANE Select); coding-DNA position 667, G replaced by A.
Protein change: p.Ala223Thr; replaces alanine 223 with threonine.
Molecular consequence: missense variant. On other transcripts: 5 prime UTR variant (1).
Genome position (GRCh38, 1-based): chr19:42,249,445, C>T on the plus strand (G>A on the coding strand, the complement: ERF is on the minus strand). VCF-style: chr19-42249445-C-T. GRCh37 (hg19) VCF-style: chr19-42753597-C-T.
Other names: c.442G>A, p.Ala148Thr (NM_001301035.2, NM_001308402.2, NM_001312656.2 and 1 more transcripts); c.-141G>A (NM_001440421.1); short protein forms A223T, A148T.
Identifiers: ClinVar variation 5008782 (VCV005008782.1).